The following is an entry in ClinVar:

ClinVar aggregate classification (germline): Uncertain significance. Review status: criteria provided, multiple submitters, no conflicts (2 of 4 stars). 2 submissions from 2 submitters: Uncertain significance (2). Last evaluated 2024-11-21.

Conditions:
Inborn genetic diseases. Identifiers: MedGen C0950123, MeSH D030342.
Glycogen storage disease IXa1. Also called: GLYCOGEN STORAGE DISEASE VIII; GSD VIII; Glycogen storage disease 8; LIVER GLYCOGENOSIS, X-LINKED, TYPE I. Identifiers: Orphanet 264580, MedGen C3694531, MONDO:0010598, OMIM 306000.

Allele frequency attached by ClinVar (database versions not stated): TOPMed 0.00003; gnomAD 0.00005 and 0.00006.

Submissions (2):

Ambry Genetics
Classification: Uncertain significance for Inborn genetic diseases. Last evaluated: 2024-11-21. Review status: criteria provided, single submitter. Criteria: Ambry Variant Classification Scheme 2023. Collection method: clinical testing. Allele origin: germline.

Centre for Mendelian Genomics, University Medical Centre Ljubljana
Classification: Uncertain significance for Glycogen storage disease IXa1. Last evaluated: 2019-06-26. Review status: criteria provided, single submitter. Criteria: ACMG Guidelines, 2015. Collection method: clinical testing. Allele origin: unknown. Affected: yes.
Comment: This variant was classified as: Uncertain significance. The available evidence on this variant's pathogenicity is insufficient or conflicting. The following ACMG criteria were applied in classifying this variant: BP4. This variant was detected in hemizygous state.

NM_000292.3(PHKA2):c.2848G>A (p.Asp950Asn)

Gene: PHKA2 (phosphorylase kinase regulatory subunit alpha 2; minus strand). Cytogenetic location: Xp22.13.
Variant type: single nucleotide variant.
Coding change: c.2848G>A on transcript NM_000292.3 (MANE Select); coding-DNA position 2848, G replaced by A.
Protein change: p.Asp950Asn; replaces aspartic acid 950 with asparagine.
Molecular consequence: missense variant.
Genome position (GRCh38, 1-based): chrX:18,905,818, C>T on the plus strand (G>A on the coding strand, the complement: PHKA2 is on the minus strand). VCF-style: chrX-18905818-C-T. GRCh37 (hg19) VCF-style: chrX-18923936-C-T.
Other names: short protein forms D950N.
Identifiers: ClinVar variation 930538 (VCV000930538.4), dbSNP rs747153540, ClinGen allele CA327035849.